The following is an entry in ClinVar:

ClinVar aggregate classification (germline): Benign. Review status: criteria provided, multiple submitters, no conflicts (2 of 4 stars). 2 submissions from 2 submitters: Benign (2). Last evaluated 2024-07-31.

Allele frequency attached by ClinVar (database versions not stated): ESP Exome Variant Server 0.19014; gnomAD exomes 0.20922; gnomAD 0.22684 and 0.24050; TOPMed 0.24488; 1000 Genomes Project 30x 0.38382; 1000 Genomes Project 0.39377.

Submissions (2):

Unidad de Genómica Garrahan, Hospital de Pediatría Garrahan
Classification: Benign. Last evaluated: 2024-07-31. Review status: criteria provided, single submitter. Criteria: ACMG Guidelines, 2015. Collection method: clinical testing. Allele origin: germline. Affected: no. Observed: 54 variant alleles.
Comment: This variant is classified as Benign based on local population frequency. This variant was detected in 58% of patients studied in a panel designed for Epileptic and Developmental Encephalopathy, Progressive Myoclonus Epilepsy and Abnormal Movements and Neurodegeneration with brain iron accumulation. Number of patients: 54. Only high quality variants are reported.

GeneDx
Classification: Benign. Last evaluated: 2018-06-23. Review status: criteria provided, single submitter. Criteria: GeneDx Variant Classification Process June 2021. Collection method: clinical testing. Allele origin: germline. Affected: yes.

NM_020442.6(VARS2):c.2674-51del

Gene: VARS2 (valyl-tRNA synthetase 2, mitochondrial; plus strand). Cytogenetic location: 6p21.33.
Variant type: Deletion.
Coding change: c.2674-51del on transcript NM_020442.6 (MANE Select); 51 bases into the intron before coding-DNA position 2674, one base deleted (C; older notation c.2674-51delC).
Molecular consequence: intron variant.
Genome position (GRCh38, 1-based): chr6:30,925,223, C deleted. VCF-style (leftmost placement, unchanged base first): chr6-30925222-AC-A. GRCh37 (hg19) VCF-style: chr6-30892999-AC-A.
Other names: c.2764-51del (NM_001167734.2); c.2254-51del (NM_001167733.3).
Identifiers: ClinVar variation 1234475 (VCV001234475.5), dbSNP rs35056976, ClinGen allele CA136812763.